The following is an entry in ClinVar:

ClinVar aggregate classification (germline): Uncertain significance (0 of 4 stars; one submission).

Conditions:
NDUFA1-related disorder. Also called: NDUFA1-related condition.

Allele frequency attached by ClinVar (database versions not stated): TOPMed below 0.00001; gnomAD exomes 0.00001.
gnomAD v4.1: 6 of 1,211,981 alleles (0.0005%); highest among the groups gnomAD compares: Non-Finnish European, 0.00067%; no homozygotes.

Submission:

PreventionGenetics, part of Exact Sciences
Classification: Uncertain significance for NDUFA1-related condition. Last evaluated: 2023-10-21. Review status: no assertion criteria provided. Collection method: clinical testing. Allele origin: germline.
Comment: The NDUFA1 c.16C>T variant is predicted to result in the amino acid substitution p.Leu6Phe. To our knowledge, this variant has not been reported in the literature or in a large population database, indicating this variant is rare. At this time, the clinical significance of this variant is uncertain due to the absence of conclusive functional and genetic evidence.

NM_004541.4(NDUFA1):c.16C>T (p.Leu6Phe)

Genes: NDUFA1 (NADH:ubiquinone oxidoreductase subunit A1; plus strand), LOC130068621 (ATAC-STARR-seq lymphoblastoid active region 29902; plus strand). Cytogenetic location: Xq24.
Variant type: single nucleotide variant.
Coding change: c.16C>T on transcript NM_004541.4 (MANE Select); coding-DNA position 16, C replaced by T.
Protein change: p.Leu6Phe; replaces leucine 6 with phenylalanine.
Molecular consequence: missense variant.
Genome position (GRCh38, 1-based): chrX:119,871,927, C>T. VCF-style: chrX-119871927-C-T. GRCh37 (hg19) VCF-style: chrX-119005890-C-T.
Other names: short protein forms L6F.
Identifiers: ClinVar variation 3033518 (VCV003033518.2), dbSNP rs1367830417, ClinGen allele CA414189997.